The following is an entry in ClinVar:

ClinVar aggregate classification (germline): Conflicting classifications of pathogenicity. Review status: criteria provided, conflicting classifications (1 of 4 stars). 2 submissions from 2 submitters: Uncertain significance (1); Likely benign (1). Last evaluated 2024-11-24.

Conditions:
Early-infantile DEE. Also called: Early infantile epileptic encephalopathy; Ohtahara syndrome; Early infantile epileptic encephalopathy with suppression bursts. Identifiers: Orphanet 1934, MedGen C0393706, MONDO:0800491.
Inborn genetic diseases. Identifiers: MedGen C0950123, MeSH D030342.

Allele frequency attached by ClinVar (database versions not stated): gnomAD exomes below 0.00001.
gnomAD v4.1: 1 of 1,610,342 alleles (0.000062%); highest among the groups gnomAD compares: Admixed American, 0.0017%; no homozygotes.

Submissions (2):

Ambry Genetics
Classification: Likely benign for Inborn genetic diseases. Last evaluated: 2024-11-24. Review status: criteria provided, single submitter. Criteria: Ambry Variant Classification Scheme 2023. Collection method: clinical testing. Allele origin: germline.

Labcorp Genetics (formerly Invitae), Labcorp
Classification: Uncertain significance for Early-infantile DEE. Last evaluated: 2022-09-23. Review status: criteria provided, single submitter. Criteria: Invitae Variant Classification Sherloc (09022015). Collection method: clinical testing. Allele origin: germline.
Comment: This sequence change affects codon 416 of the KCNQ2 mRNA. It is a 'silent' change, meaning that it does not change the encoded amino acid sequence of the KCNQ2 protein. It affects a nucleotide within the consensus splice site. The frequency data for this variant in the population databases is considered unreliable, as metrics indicate poor data quality at this position in the gnomAD database. This variant has not been reported in the literature in individuals affected with KCNQ2-related conditions. Algorithms developed to predict the effect of sequence changes on RNA splicing suggest that this variant is not likely to affect RNA splicing. In summary, the available evidence is currently insufficient to determine the role of this variant in disease. Therefore, it has been classified as a Variant of Uncertain Significance.

NM_172107.4(KCNQ2):c.1248T>C (p.Ser416=)

Gene: KCNQ2 (potassium voltage-gated channel subfamily Q member 2; minus strand). Cytogenetic location: 20q13.33.
Variant type: single nucleotide variant.
Coding change: c.1248T>C on transcript NM_172107.4 (MANE Select); coding-DNA position 1248, T replaced by C.
Protein change: p.Ser416=; no amino-acid change (serine 416 retained).
Molecular consequence: synonymous variant. On other transcripts: intron variant (4).
Genome position (GRCh38, 1-based): chr20:63,419,672, A>G on the plus strand (T>C on the coding strand, the complement: KCNQ2 is on the minus strand). VCF-style: chr20-63419672-A-G. GRCh37 (hg19) VCF-style: chr20-62051025-A-G.
Other names: c.1217+4505T>C (NM_004518.6); c.1247+4505T>C (NM_172108.5, NM_172106.3, NM_001382235.1); c.1248T>C (NM_172107.2).
Identifiers: ClinVar variation 2129292 (VCV002129292.5), dbSNP rs1397227137, ClinGen allele CA511204117.